The following is an entry in ClinVar:

NM_000061.3(BTK):c.1511A>T (p.Asp504Val)

Gene: BTK (Bruton tyrosine kinase; minus strand). Cytogenetic location: Xq22.1.
Variant type: single nucleotide variant.
Coding change: c.1511A>T on transcript NM_000061.3 (MANE Select); coding-DNA position 1511, A replaced by T.
Protein change: p.Asp504Val; replaces aspartic acid 504 with valine.
Molecular consequence: missense variant. On other transcripts: intron variant (1).
Genome position (GRCh38, 1-based): chrX:101,356,107, T>A on the plus strand (A>T on the coding strand, the complement: BTK is on the minus strand). VCF-style: chrX-101356107-T-A. GRCh37 (hg19) VCF-style: chrX-100611095-T-A.
Other names: c.1613A>T, p.Asp538Val (NM_001287344.2); c.1039-1413A>T (NM_001287345.2); short protein forms D504V, D538V.
Identifiers: ClinVar variation 35758 (VCV000035758.4), dbSNP rs193922125, ClinGen allele CA260189.

ClinVar aggregate classification (germline): Conflicting classifications of pathogenicity. Review status: criteria provided, conflicting classifications (1 of 4 stars). 2 submissions from 2 submitters: Likely pathogenic (1); Uncertain significance (1). Last evaluated 2025-04-13.

Conditions:
X-linked agammaglobulinemia with growth hormone deficiency (IGHD3). Also called: HYPOGAMMAGLOBULINEMIA AND ISOLATED GROWTH HORMONE DEFICIENCY, X-LINKED; IGHD III; ISOLATED GROWTH HORMONE DEFICIENCY, TYPE III, WITH AGAMMAGLOBULINEMIA; Isolated growth hormone deficiency type 3; Growth hormone deficiency with hypogammaglobulinemia; AGAMMAGLOBULINEMIA AND ISOLATED GROWTH HORMONE DEFICIENCY, X-LINKED. Identifiers: Orphanet 231692, Orphanet 631, MedGen C0472813, MONDO:0010615, OMIM 307200.
X-linked agammaglobulinemia (XLA). Also called: Agammaglobulinemia, Bruton tyrosine kinase; Agammaglobulinemia, BTK; BTK-deficiency; Bruton's agammaglobulinemia; IMMUNODEFICIENCY 1; Bruton-type agammaglobulinemia. Identifiers: Orphanet 229717, Orphanet 47, MedGen C0221026, MONDO:0010421, OMIM 300755.

Submissions (2):

Labcorp Genetics (formerly Invitae), Labcorp
Classification: Uncertain significance for X-linked agammaglobulinemia with growth hormone deficiency. Last evaluated: 2025-04-13. Review status: criteria provided, single submitter. Criteria: Invitae Variant Classification Sherloc (09022015). Collection method: clinical testing. Allele origin: germline.
Comment: This sequence change replaces aspartic acid, which is acidic and polar, with valine, which is neutral and non-polar, at codon 504 of the BTK protein (p.Asp504Val). This variant is not present in population databases (gnomAD no frequency). This missense change has been observed in individual(s) with clinical features of BTK-related conditions (PMID: 15661032, 27577878). ClinVar contains an entry for this variant (Variation ID: 35758). Invitae Evidence Modeling of protein sequence and biophysical properties (such as structural, functional, and spatial information, amino acid conservation, physicochemical variation, residue mobility, and thermodynamic stability) indicates that this missense variant is expected to disrupt BTK protein function with a positive predictive value of 95%. In summary, the available evidence is currently insufficient to determine the role of this variant in disease. Therefore, it has been classified as a Variant of Uncertain Significance.

Women's Health and Genetics/Laboratory Corporation of America, LabCorp
Classification: Likely pathogenic for X-linked Agammaglobulinemia. Last evaluated: 2011-08-18. Review status: criteria provided, single submitter. Criteria: LabCorp Variant Classification Summary - May 2015. Collection method: curation, clinical testing. Allele origin: germline. Inheritance: Xlinked recessive. Affected: yes. Observed: 1 variant allele.
ClinVar note: Converted during submission from likely pathogenic to Likely pathogenic.

Literature cited by the submitters: PubMed 15661032 (cited by Labcorp Genetics (formerly Invitae), Labcorp and Women's Health and Genetics/Laboratory Corporation of America, LabCorp); PubMed 27577878 (cited by Labcorp Genetics (formerly Invitae), Labcorp).